The following is an entry in ClinVar:

ClinVar aggregate classification (germline): Likely benign (0 of 4 stars; one submission).

Conditions:
POGZ-related disorder. Also called: POGZ-related condition.

Allele frequency attached by ClinVar (database versions not stated): ExAC 0.00001; gnomAD 0.00005; gnomAD exomes 0.00005; TOPMed 0.00005.
gnomAD v4.1: 82 of 1,614,100 alleles (0.0051%); highest among the groups gnomAD compares: Non-Finnish European, 0.0066%; no homozygotes.

Submission:

PreventionGenetics, part of Exact Sciences
Classification: Likely benign for POGZ-related condition. Last evaluated: 2019-04-15. Review status: no assertion criteria provided. Collection method: clinical testing. Allele origin: germline.
Comment: This variant is classified as likely benign based on ACMG/AMP sequence variant interpretation guidelines (Richards et al. 2015 PMID: 25741868, with internal and published modifications).

NM_015100.4(POGZ):c.3789A>G (p.Pro1263=)

Gene: POGZ (pogo transposable element derived with ZNF domain; minus strand). Cytogenetic location: 1q21.3.
Variant type: single nucleotide variant.
Coding change: c.3789A>G on transcript NM_015100.4 (MANE Select); coding-DNA position 3789, A replaced by G.
Protein change: p.Pro1263=; no amino-acid change (proline 1263 retained).
Molecular consequence: synonymous variant.
Genome position (GRCh38, 1-based): chr1:151,405,246, T>C on the plus strand (A>G on the coding strand, the complement: POGZ is on the minus strand). VCF-style: chr1-151405246-T-C. GRCh37 (hg19) VCF-style: chr1-151377722-T-C.
Other names: c.3762A>G, p.Pro1254= (NM_001194937.2); c.3603A>G, p.Pro1201= (NM_001194938.2); c.3810A>G, p.Pro1270= (NM_001410860.1); c.3504A>G, p.Pro1168= (NM_145796.4); c.3630A>G, p.Pro1210= (NM_207171.2).
Identifiers: ClinVar variation 3057504 (VCV003057504.2), dbSNP rs555935933, ClinGen allele CA1090910.